The following is an entry in ClinVar:

NM_144991.3(TSPEAR):c.1093C>T (p.Gln365Ter)

Gene: TSPEAR (thrombospondin type laminin G domain and EAR repeats; minus strand). Cytogenetic location: 21q22.3.
Variant type: single nucleotide variant.
Coding change: c.1093C>T on transcript NM_144991.3 (MANE Select); coding-DNA position 1093, C replaced by T.
Protein change: p.Gln365Ter; replaces glutamine 365 with a stop codon.
Molecular consequence: nonsense.
Genome position (GRCh38, 1-based): chr21:44,527,348, G>A on the plus strand (C>T on the coding strand, the complement: TSPEAR is on the minus strand). VCF-style: chr21-44527348-G-A. GRCh37 (hg19) VCF-style: chr21-45947231-G-A.
Other names: c.889C>T, p.Gln297Ter (NM_001272037.2); short protein forms Q365*, Q297*.
Identifiers: ClinVar variation 2081026 (VCV002081026.5), dbSNP rs782360263, ClinGen allele CA410440610.

ClinVar aggregate classification (germline): Pathogenic. Review status: criteria provided, multiple submitters, no conflicts (2 of 4 stars). 2 submissions from 2 submitters: Pathogenic (2). Last evaluated 2025-08-04.

Conditions:
Autosomal recessive nonsyndromic hearing loss 98. Also called: Deafness, autosomal recessive 98. Identifiers: Orphanet 90636, MedGen C3553932, MONDO:0013929, OMIM 614861.
Ectodermal dysplasia 14, hair/tooth type with or without hypohidrosis. Identifiers: Orphanet 685067, MedGen C4748560, MONDO:0032584, OMIM 618180.
Tooth agenesis, selective, 10 (STHAG10). Identifiers: MedGen C5774277, MONDO:0859339, OMIM 620173.

Allele frequency attached by ClinVar (database versions not stated): TOPMed below 0.00001.
gnomAD v4.1: 28 of 1,614,226 alleles (0.0017%); highest among the groups gnomAD compares: Non-Finnish European, 0.0023%; no homozygotes.

Submissions (2):

Medical Genetics, Meyer Children Hospital
Classification: Pathogenic for Ectodermal dysplasia 14, hair/tooth type with or without hypohidrosis; Autosomal recessive nonsyndromic hearing loss 98; Tooth agenesis, selective, 10. Last evaluated: 2025-08-04. Review status: criteria provided, single submitter. Criteria: ACMG Guidelines, 2015. Collection method: clinical testing. Allele origin: maternal. Affected: yes.
Comment: PVS1, PM2, PS4

Labcorp Genetics (formerly Invitae), Labcorp
Classification: Pathogenic. Last evaluated: 2024-10-07. Review status: criteria provided, single submitter. Criteria: Invitae Variant Classification Sherloc (09022015). Collection method: clinical testing. Allele origin: germline.
Comment: This sequence change creates a premature translational stop signal (p.Gln365*) in the TSPEAR gene. It is expected to result in an absent or disrupted protein product. Loss-of-function variants in TSPEAR are known to be pathogenic (PMID: 34042254). This variant is present in population databases (no rsID available, gnomAD 0.002%). This variant has not been reported in the literature in individuals affected with TSPEAR-related conditions. ClinVar contains an entry for this variant (Variation ID: 2081026). For these reasons, this variant has been classified as Pathogenic.

Literature cited by the submitters: PubMed 34042254 (cited by Labcorp Genetics (formerly Invitae), Labcorp).